The following is an entry in ClinVar:

ClinVar aggregate classification (germline): Conflicting classifications of pathogenicity. Review status: criteria provided, conflicting classifications (1 of 4 stars). 2 submissions from 2 submitters: Uncertain significance (1); Likely benign (1). Last evaluated 2025-04-20.

Conditions:
Familial hypocalciuric hypercalcemia (FHH). Also called: Familial benign hypercalcemia. Identifiers: Orphanet 405, MedGen C1809471, MONDO:0018458.
Autosomal dominant hypocalcemia 1 (HYPOC1). Also called: HYPOCALCEMIA, FAMILIAL. Identifiers: MedGen C3715128, MONDO:0011013, OMIM 601198.
Nephrolithiasis/nephrocalcinosis. Identifiers: MedGen CN580796.

Allele frequency attached by ClinVar (database versions not stated): TOPMed below 0.00001; gnomAD exomes below 0.00001.
gnomAD v4.1: 6 of 1,614,176 alleles (0.00037%); highest among the groups gnomAD compares: East Asian, 0.0045%; no homozygotes.

Submissions (2):

Labcorp Genetics (formerly Invitae), Labcorp
Classification: Uncertain significance for Familial hypocalciuric hypercalcemia; Autosomal dominant hypocalcemia 1. Last evaluated: 2025-04-20. Review status: criteria provided, single submitter. Criteria: Invitae Variant Classification Sherloc (09022015). Collection method: clinical testing. Allele origin: germline.
Comment: This sequence change replaces arginine, which is basic and polar, with tryptophan, which is neutral and slightly polar, at codon 285 of the CASR protein (p.Arg285Trp). This variant is not present in population databases (gnomAD no frequency). This variant has not been reported in the literature in individuals affected with CASR-related conditions. ClinVar contains an entry for this variant (Variation ID: 532600). An algorithm developed to predict the effect of missense changes on protein structure and function (PolyPhen-2) suggests that this variant is likely to be disruptive. Experimental studies have shown that this missense change does not substantially affect CASR function (PMID: 20164288). In summary, the available evidence is currently insufficient to determine the role of this variant in disease. Therefore, it has been classified as a Variant of Uncertain Significance.

Ambry Genetics
Classification: Likely benign for Nephrolithiasis/nephrocalcinosis. Last evaluated: 2018-09-19. Review status: criteria provided, single submitter. Criteria: Ambry Variant Classification Scheme 2023. Collection method: clinical testing. Allele origin: germline.

Literature cited by the submitters: PubMed 20164288 (cited by Labcorp Genetics (formerly Invitae), Labcorp and Ambry Genetics); PubMed 23856262 (cited by Ambry Genetics).

NM_000388.4(CASR):c.853C>T (p.Arg285Trp)

Gene: CASR (calcium sensing receptor; plus strand). Cytogenetic location: 3q21.1.
Variant type: single nucleotide variant.
Coding change: c.853C>T on transcript NM_000388.4 (MANE Select); coding-DNA position 853, C replaced by T.
Protein change: p.Arg285Trp; replaces arginine 285 with tryptophan.
Molecular consequence: missense variant.
Genome position (GRCh38, 1-based): chr3:122,261,888, C>T. VCF-style: chr3-122261888-C-T. GRCh37 (hg19) VCF-style: chr3-121980735-C-T.
Other names: c.853C>T, p.Arg285Trp (NM_001178065.2); short protein forms R285W.
Identifiers: ClinVar variation 532600 (VCV000532600.11), dbSNP rs1553766800, ClinGen allele CA354151495.